The following is an entry in ClinVar:

NM_000044.6(AR):c.1063G>T (p.Glu355Ter)

Gene: AR (androgen receptor; plus strand). Cytogenetic location: Xq12.
Variant type: single nucleotide variant.
Coding change: c.1063G>T on transcript NM_000044.6 (MANE Select); coding-DNA position 1063, G replaced by T.
Protein change: p.Glu355Ter; replaces glutamic acid 355 with a stop codon.
Molecular consequence: nonsense. On other transcripts: 5 prime UTR variant (1).
Genome position (GRCh38, 1-based): chrX:67,546,209, G>T. VCF-style: chrX-67546209-G-T. GRCh37 (hg19) VCF-style: chrX-66766051-G-T.
Other names: c.-721G>T (NM_001011645.3); c.1063G>T, p.Glu355Ter (NM_001348061.1, NM_001348063.1, NM_001348064.1); short protein forms E355*.
Identifiers: ClinVar variation 1076800 (VCV001076800.10), dbSNP rs367604031, ClinGen allele CA413426216.

ClinVar aggregate classification (germline): Pathogenic. Review status: criteria provided, multiple submitters, no conflicts (2 of 4 stars). 2 submissions from 2 submitters: Pathogenic (2). Last evaluated 2020-02-12.

Conditions:
Androgen resistance syndrome (AIS). Also called: ANDROGEN RECEPTOR DEFICIENCY; DIHYDROTESTOSTERONE RECEPTOR DEFICIENCY; TESTICULAR FEMINIZATION SYNDROME; Androgen insensitivity syndrome; Androgen insensitivity, complete; DHTR DEFICIENCY. Identifiers: Orphanet 754, Orphanet 99429, MedGen C0039585, MONDO:0019154, OMIM 300068. Disease mechanism: loss of function.
Kennedy disease (SMAX1). Also called: KENNEDY SPINAL AND BULBAR MUSCULAR ATROPHY; Spinal and Bulbar Muscular Atrophy; SPINAL AND BULBAR MUSCULAR ATROPHY, X-LINKED 1. Identifiers: Orphanet 481, MedGen C1839259, MONDO:0010735, OMIM 313200.

Submissions (2):

Labcorp Genetics (formerly Invitae), Labcorp
Classification: Pathogenic for Kennedy disease; Androgen resistance syndrome. Last evaluated: 2020-02-12. Review status: criteria provided, single submitter. Criteria: Invitae Variant Classification Sherloc (09022015). Collection method: clinical testing. Allele origin: germline.
Comment: For these reasons, this variant has been classified as Pathogenic. Loss-of-function variants in AR are known to be pathogenic (PMID: 19463997). This sequence change creates a premature translational stop signal (p.Glu355*) in the AR gene. It is expected to result in an absent or disrupted protein product. This variant is not present in population databases (ExAC no frequency). This variant has been observed in individual(s) with androgen insensitivity syndrome (PMID: 10571951). This variant is also known as E353ter in the literature.

Department of Medical Genetics, Hue University of Medicine and Pharmacy
Classification: Pathogenic for Androgen resistance syndrome. Last evaluated: 2017-12-25. Review status: criteria provided, single submitter. Criteria: ACMG Guidelines, 2015. Collection method: clinical testing. Allele origin: unknown. Inheritance: X-linked inheritance. Affected: yes. Observed: 1 variant allele.

Literature cited by the submitters: PubMed 19463997 (cited by Labcorp Genetics (formerly Invitae), Labcorp); PubMed 10571951 (cited by Labcorp Genetics (formerly Invitae), Labcorp).